The following is an entry in ClinVar:

ClinVar aggregate classification (germline): Uncertain significance (1 of 4 stars; one submission).

Conditions:
Charcot-Marie-Tooth disease axonal type 2O. Also called: CHARCOT-MARIE-TOOTH NEUROPATHY, AXONAL, TYPE 2O; CHARCOT-MARIE-TOOTH DISEASE, AXONAL, AUTOSOMAL DOMINANT, TYPE 2O; Charcot-Marie-Tooth Neuropathy Type 2O; Charcot-Marie-Tooth disease, axonal, type 20. Identifiers: Orphanet 284232, MedGen C3280220, MONDO:0013644, OMIM 614228.

gnomAD v4.1: 3 of 1,614,132 alleles (0.00019%); highest among the groups gnomAD compares: Non-Finnish European, 0.00025%; no homozygotes.

Submission:

Labcorp Genetics (formerly Invitae), Labcorp
Classification: Uncertain significance for Charcot-Marie-Tooth disease axonal type 2O. Last evaluated: 2024-09-06. Review status: criteria provided, single submitter. Criteria: Invitae Variant Classification Sherloc (09022015). Collection method: clinical testing. Allele origin: germline.
Comment: This sequence change replaces alanine, which is neutral and non-polar, with glycine, which is neutral and non-polar, at codon 4641 of the DYNC1H1 protein (p.Ala4641Gly). This variant is not present in population databases (gnomAD no frequency). This variant has not been reported in the literature in individuals affected with DYNC1H1-related conditions. Invitae Evidence Modeling of protein sequence and biophysical properties (such as structural, functional, and spatial information, amino acid conservation, physicochemical variation, residue mobility, and thermodynamic stability) indicates that this missense variant is not expected to disrupt DYNC1H1 protein function with a negative predictive value of 95%. In summary, the available evidence is currently insufficient to determine the role of this variant in disease. Therefore, it has been classified as a Variant of Uncertain Significance.

NM_001376.5(DYNC1H1):c.13922C>G (p.Ala4641Gly)

Gene: DYNC1H1 (dynein cytoplasmic 1 heavy chain 1; plus strand). Cytogenetic location: 14q32.31.
Variant type: single nucleotide variant.
Coding change: c.13922C>G on transcript NM_001376.5 (MANE Select); coding-DNA position 13922, C replaced by G.
Protein change: p.Ala4641Gly; replaces alanine 4641 with glycine.
Molecular consequence: missense variant.
Genome position (GRCh38, 1-based): chr14:102,050,544, C>G. VCF-style: chr14-102050544-C-G. GRCh37 (hg19) VCF-style: chr14-102516881-C-G.
Other names: short protein forms A4641G.
Identifiers: ClinVar variation 3604590 (VCV003604590.2).
Genomic context (GRCh38, chr14:102,050,544, plus strand): 5'-CCGTGGACTTCGAAATTGCTACAAAGGAGGATCCTCGCAGCTTCTACGAGCGGGGTGTCG[C>G]AGTCTTGTGCACAGAGTAAACTTTTCTAGCTGCCCCTTTCTGTAATAGTGAAAGTTGGTA-3'
Protein context (NP_001367.2, residues 4631-4646): DPRSFYERGV[Ala4641Gly]VLCTE